The following is an entry in ClinVar:

ClinVar aggregate classification (germline): Pathogenic (1 of 4 stars; one submission).

Conditions:
Glycogen storage disease, type VII (GSD7). Also called: GSD VII; MUSCLE PHOSPHOFRUCTOKINASE DEFICIENCY; PFKM DEFICIENCY; TARUI DISEASE. Identifiers: Orphanet 371, MedGen C0017926, MONDO:0009295, OMIM 232800.

Submission:

Myriad Genetics, Inc.
Classification: Pathogenic for Glycogen storage disease, type VII. Last evaluated: 2024-02-10. Review status: criteria provided, single submitter. Criteria: Myriad Autosomal Dominant, Autosomal Recessive and X-Linked Classification Criteria (2023). Collection method: clinical testing. Allele origin: unknown.
Comment: NM_001166686.1(PFKM):c.2168delT(F723Sfs*33) is expected to be pathogenic in the context of glycogen storage disease, PFKM-related. This variant is predicted to lead to an abnormal or absent protein product due to the creation of a premature termination codon in PFKM, a gene where loss-of-function variants are known to be pathogenic. Please note: this variant was assessed in the context of healthy population screening.

NM_000289.6(PFKM):c.1955del (p.Phe652fs)

Gene: PFKM (phosphofructokinase, muscle; plus strand). Cytogenetic location: 12q13.11.
Variant type: Deletion.
Coding change: c.1955del on transcript NM_000289.6 (MANE Select); coding-DNA position 1955, one base deleted (T; older notation c.1955delT).
Protein change: p.Phe652fs; shifts the reading frame from phenylalanine 652.
Molecular consequence: frameshift variant. On other transcripts: non-coding transcript variant (6).
Genome position (GRCh38, 1-based): chr12:48,144,120, T deleted; the last of 2 consecutive T bases (chr12:48,144,119-48,144,120); deleting either gives the same sequence. VCF-style (leftmost placement, unchanged base first): chr12-48144118-CT-C. GRCh37 (hg19) VCF-style: chr12-48537901-CT-C.
Other names: c.2168del, p.Phe723fs (NM_001166686.2, NM_001354737.1, NM_001354738.1 and 1 more transcripts); c.1955del, p.Phe652fs (NM_001166687.2, NM_001166688.2, NM_001354742.2 and 2 more transcripts); c.2264del, p.Phe755fs (NM_001354735.1, NM_001354736.1); c.2099del, p.Phe700fs (NM_001354740.1); c.1979del, p.Phe660fs (NM_001354741.2); c.1868del, p.Phe623fs (NM_001354745.2); c.1829del, p.Phe610fs (NM_001354746.2); c.1805del, p.Phe602fs (NM_001354747.2, NM_001354748.2); and 2 more; short protein forms F602fs, F610fs, F621fs, F623fs, F652fs, F660fs, F692fs, F700fs.
Identifiers: ClinVar variation 5012727 (VCV005012727.1).